The following is an entry in ClinVar:

NM_000199.5(SGSH):c.1317C>T (p.Tyr439=)

Gene: SGSH (N-sulfoglucosamine sulfohydrolase; minus strand). Cytogenetic location: 17q25.3.
Variant type: single nucleotide variant.
Coding change: c.1317C>T on transcript NM_000199.5 (MANE Select); coding-DNA position 1317, C replaced by T.
Protein change: p.Tyr439=; no amino-acid change (tyrosine 439 retained).
Molecular consequence: synonymous variant. On other transcripts: 3 prime UTR variant (2), non-coding transcript variant (1).
Genome position (GRCh38, 1-based): chr17:80,210,644, G>A on the plus strand (C>T on the coding strand, the complement: SGSH is on the minus strand). VCF-style: chr17-80210644-G-A. GRCh37 (hg19) VCF-style: chr17-78184443-G-A.
Other names: c.*404C>T (NM_001352921.3); c.*367C>T (NM_001352922.2).
Identifiers: ClinVar variation 559101 (VCV000559101.25), dbSNP rs146522699, ClinGen allele CA8817616.

ClinVar aggregate classification (germline): Conflicting classifications of pathogenicity. Review status: criteria provided, conflicting classifications (1 of 4 stars). 6 submissions from 6 submitters: Uncertain significance (1); Likely benign (3). 2 of the submissions do not count toward it. Last evaluated 2026-01-28.

Conditions:
SGSH-related disorder. Also called: SGSH-related condition.
Mucopolysaccharidosis, MPS-III-A (MPS3A). Also called: Mucopolysaccharidosis, type IIIA; MPS IIIA (Sanfilippo Syndrome Type A); MPS III A; SANFILIPPO SYNDROME A; SULFAMIDASE DEFICIENCY; Mucopolysaccharidosis type IIIA (Sanfilippo A). Identifiers: Orphanet 581, Orphanet 79269, MedGen C0086647, MONDO:0009655, OMIM 252900.

Allele frequency attached by ClinVar (database versions not stated): 1000 Genomes Project 0.00020; gnomAD 0.00042 and 0.00044; 1000 Genomes Project 30x 0.00016; ESP Exome Variant Server 0.00069; TOPMed 0.00051; ExAC 0.00018.
gnomAD v4.1: 149 of 1,614,006 alleles (0.0092%); highest among the groups gnomAD compares: African/African-American, 0.13%; no homozygotes.

Submissions (6):

Labcorp Genetics (formerly Invitae), Labcorp
Classification: Likely benign for Mucopolysaccharidosis, MPS-III-A. Last evaluated: 2026-01-28. Review status: criteria provided, single submitter. Criteria: Invitae Variant Classification Sherloc (09022015). Collection method: clinical testing. Allele origin: germline.

Blueprint Genetics
Classification: Likely benign. Last evaluated: 2024-11-22. Review status: criteria provided, single submitter. Criteria: ACMG Guidelines, 2015. Collection method: clinical testing. Allele origin: germline.

Genome-Nilou Lab
Classification: Likely benign for Mucopolysaccharidosis, MPS-III-A. Last evaluated: 2021-11-07. Review status: criteria provided, single submitter. Criteria: ACMG Guidelines, 2015. Collection method: clinical testing. Allele origin: germline. Affected: no.

Illumina Laboratory Services, Illumina
Classification: Uncertain significance for Mucopolysaccharidosis, MPS-III-A. Last evaluated: 2018-01-12. Review status: criteria provided, single submitter. Criteria: ICSL Variant Classification Criteria 13 December 2019. Collection method: clinical testing. Allele origin: germline.

PreventionGenetics, part of Exact Sciences
Classification: Likely benign for SGSH-related condition. Last evaluated: 2023-08-09. Review status: no assertion criteria provided. Collection method: clinical testing. Allele origin: germline. Not counted in ClinVar's aggregate classification.
Comment: This variant is classified as likely benign based on ACMG/AMP sequence variant interpretation guidelines (Richards et al. 2015 PMID: 25741868, with internal and published modifications).

Mayo Clinic Laboratories, Mayo Clinic
Classification: Likely benign. Last evaluated: 2017-05-17. Review status: no assertion criteria provided. Collection method: clinical testing. Allele origin: unknown. Not counted in ClinVar's aggregate classification.